The following is an entry in ClinVar:

NM_004304.5(ALK):c.4227G>T (p.Glu1409Asp)

Gene: ALK (ALK receptor tyrosine kinase; minus strand). Cytogenetic location: 2p23.2.
Variant type: single nucleotide variant.
Coding change: c.4227G>T on transcript NM_004304.5 (MANE Select); coding-DNA position 4227, G replaced by T.
Protein change: p.Glu1409Asp; replaces glutamic acid 1409 with aspartic acid.
Molecular consequence: missense variant.
Genome position (GRCh38, 1-based): chr2:29,193,860, C>A on the plus strand (G>T on the coding strand, the complement: ALK is on the minus strand). VCF-style: chr2-29193860-C-A. GRCh37 (hg19) VCF-style: chr2-29416726-C-A.
Other names: c.1023G>T, p.Glu341Asp (NM_001353765.2); short protein forms E1409D, E341D.
Identifiers: ClinVar variation 470868 (VCV000470868.12), dbSNP rs139086136, ClinGen allele CA44635242.

ClinVar aggregate classification (germline): Uncertain significance. Review status: criteria provided, multiple submitters, no conflicts (2 of 4 stars). 2 submissions from 2 submitters: Uncertain significance (2). Last evaluated 2026-07-21.

Conditions:
Hereditary cancer-predisposing syndrome. Also called: Neoplastic Syndromes, Hereditary; Hereditary neoplastic syndrome; Hereditary Cancer Syndrome; Tumor predisposition. Identifiers: Orphanet 140162, MedGen C0027672, MeSH D009386, MONDO:0015356.
Neuroblastoma, susceptibility to, 3. Also called: ALK-Related Neuroblastic Tumor Susceptibility. Identifiers: Orphanet 635, MedGen C2751681, MONDO:0013083, OMIM 613014.

Allele frequency attached by ClinVar (database versions not stated): ESP Exome Variant Server 0.00008.
gnomAD v4.1: 1 of 1,613,866 alleles (0.000062%); highest among the groups gnomAD compares: Non-Finnish European, 0.000085%; no homozygotes.

Submissions (2):

Ambry Genetics
Classification: Uncertain significance for Hereditary cancer-predisposing syndrome. Last evaluated: 2026-07-21. Review status: criteria provided, single submitter. Criteria: Ambry Variant Classification Scheme 2023. Collection method: clinical testing. Allele origin: germline.
Comment: The p.E1409D variant (also known as c.4227G>T), located in coding exon 29 of the ALK gene, results from a G to T substitution at nucleotide position 4227. The glutamic acid at codon 1409 is replaced by aspartic acid, an amino acid with highly similar properties. This amino acid position is conserved. In addition, this alteration is predicted to be tolerated by in silico analysis. Based on the available evidence, the clinical significance of this variant remains unclear.

Labcorp Genetics (formerly Invitae), Labcorp
Classification: Uncertain significance for Neuroblastoma, susceptibility to, 3. Last evaluated: 2025-04-11. Review status: criteria provided, single submitter. Criteria: Invitae Variant Classification Sherloc (09022015). Collection method: clinical testing. Allele origin: germline.
Comment: This sequence change replaces glutamic acid, which is acidic and polar, with aspartic acid, which is acidic and polar, at codon 1409 of the ALK protein (p.Glu1409Asp). This variant is not present in population databases (gnomAD no frequency). This variant has not been reported in the literature in individuals affected with ALK-related conditions. ClinVar contains an entry for this variant (Variation ID: 470868). An algorithm developed to predict the effect of missense changes on protein structure and function (PolyPhen-2) suggests that this variant is likely to be disruptive. In summary, the available evidence is currently insufficient to determine the role of this variant in disease. Therefore, it has been classified as a Variant of Uncertain Significance.